The following is an entry in ClinVar:

ClinVar aggregate classification (germline): not provided (0 of 4 stars; one submission).

Conditions:
Normal pregnancy. Identifiers: MedGen C0232989.

Submission:

Institute of Molecular and Cell Biology, University of Tartu
No classification provided. Condition: Normal pregnancy. Review status: no classification provided. Collection method: case-control. Allele origin: unknown. Affected: yes. Study: Kasak2014.
Comment: The study aimed to determine the contribution of copy number variants in the genetic etiology of normal and complicated pregnancies. The samples represented (i) maternal blood DNA drawn from healthy pregnant women during 1st or 2nd trimester and (ii) maternal and paternal blood DNA drawn at term pregnancy cases representing normal and complicated gestations (severe preeclampsia, PE; gestational diabetes, GD; small-for-gestational age newborn, SGA; large-for-gestational age newborn, LGA). We performed CNV calling based on genome-wide genotyping dataset (Illumina HumanOmniExpress-24-v1 BeadChip) by applying three algorithms, QuantiSNP, GADA (Genome Alteration Detection Algorithm) and CNstream in parallel. The acquired CNV calls were merged with HD-CNV (Hotspot Detector for Copy Number Variants) program and only the CNVs predicted by at least two programs, were considered in subsequent analysis.

Literature cited by the submitters: PubMed 25666259.

CM000664.1:g.123818296_123878592dup

Gene: LINC01826 (long intergenic non-protein coding RNA 1826; minus strand). Cytogenetic location: 2q14.3.
Variant type: Duplication.
Identifiers: ClinVar variation 156803 (VCV000156803.2).